The following is an entry in ClinVar:

ClinVar aggregate classification (germline): Uncertain significance (1 of 4 stars; one submission).

Allele frequency attached by ClinVar (database versions not stated): gnomAD exomes below 0.00001.
gnomAD v4.1: 1 of 1,614,218 alleles (0.000062%); highest among the groups gnomAD compares: Non-Finnish European, 0.000085%; no homozygotes.

Submission:

Labcorp Genetics (formerly Invitae), Labcorp
Classification: Uncertain significance. Last evaluated: 2022-06-17. Review status: criteria provided, single submitter. Criteria: Invitae Variant Classification Sherloc (09022015). Collection method: clinical testing. Allele origin: germline.
Comment: This sequence change replaces glutamic acid, which is acidic and polar, with aspartic acid, which is acidic and polar, at codon 445 of the CDHR1 protein (p.Glu445Asp). This variant is not present in population databases (gnomAD no frequency). This variant has not been reported in the literature in individuals affected with CDHR1-related conditions. Advanced modeling of protein sequence and biophysical properties (such as structural, functional, and spatial information, amino acid conservation, physicochemical variation, residue mobility, and thermodynamic stability) performed at Invitae indicates that this missense variant is not expected to disrupt CDHR1 protein function. In summary, the available evidence is currently insufficient to determine the role of this variant in disease. Therefore, it has been classified as a Variant of Uncertain Significance.

NM_033100.4(CDHR1):c.1335A>C (p.Glu445Asp)

Gene: CDHR1 (cadherin related family member 1; plus strand). Cytogenetic location: 10q23.1.
Variant type: single nucleotide variant.
Coding change: c.1335A>C on transcript NM_033100.4 (MANE Select); coding-DNA position 1335, A replaced by C.
Protein change: p.Glu445Asp; replaces glutamic acid 445 with aspartic acid.
Molecular consequence: missense variant.
Genome position (GRCh38, 1-based): chr10:84,211,015, A>C. VCF-style: chr10-84211015-A-C. GRCh37 (hg19) VCF-style: chr10-85970771-A-C.
Other names: c.1335A>C, p.Glu445Asp (NM_001171971.3); short protein forms E445D.
Identifiers: ClinVar variation 2003314 (VCV002003314.1), dbSNP rs2492531136, ClinGen allele CA377376600.